The following is an entry in ClinVar:

NM_015662.3(IFT172):c.1058A>G (p.Tyr353Cys)

Gene: IFT172 (intraflagellar transport 172; minus strand). Cytogenetic location: 2p23.3.
Variant type: single nucleotide variant.
Coding change: c.1058A>G on transcript NM_015662.3 (MANE Select); coding-DNA position 1058, A replaced by G.
Protein change: p.Tyr353Cys; replaces tyrosine 353 with cysteine.
Molecular consequence: missense variant.
Genome position (GRCh38, 1-based): chr2:27,478,104, T>C on the plus strand (A>G on the coding strand, the complement: IFT172 is on the minus strand). VCF-style: chr2-27478104-T-C. GRCh37 (hg19) VCF-style: chr2-27700971-T-C.
Other names: c.1058A>G (NM_015662.1, NM_015662.2); short protein forms Y353C.
Identifiers: ClinVar variation 1022627 (VCV001022627.10), dbSNP rs749207320, ClinGen allele CA1580777.

ClinVar aggregate classification (germline): Uncertain significance. Review status: criteria provided, multiple submitters, no conflicts (2 of 4 stars). 5 submissions from 5 submitters: Uncertain significance (5). Last evaluated 2025-10-07.

Conditions:
Retinitis pigmentosa 71 (RP71). Identifiers: Orphanet 791, MedGen C4225342, MONDO:0014618, OMIM 616394.
Short-rib thoracic dysplasia 10 with or without polydactyly (SRTD10). Identifiers: Orphanet 474, MedGen C3810175, MONDO:0014284, OMIM 615630.
Inborn genetic diseases. Identifiers: MedGen C0950123, MeSH D030342.
Bardet-Biedl syndrome 20. Identifiers: MedGen C4310707, MONDO:0023670, OMIM 619471, MONDO:0014926.
IFT172-related disorder. Also called: IFT172-related condition; IFT172-related disorders.

Allele frequency attached by ClinVar (database versions not stated): gnomAD exomes 0.00001 and 0.00002; TOPMed 0.00002; ExAC 0.00001; gnomAD 0.00001.
gnomAD v4.1: 21 of 1,614,064 alleles (0.0013%); highest among the groups gnomAD compares: Middle Eastern, 0.033%; no homozygotes.

Submissions (5):

Ambry Genetics
Classification: Uncertain significance for Inborn genetic diseases. Last evaluated: 2025-10-07. Review status: criteria provided, single submitter. Criteria: Ambry Variant Classification Scheme 2023. Collection method: clinical testing. Allele origin: germline.

PreventionGenetics, part of Exact Sciences
Classification: Uncertain significance for IFT172-related condition. Last evaluated: 2025-05-02. Review status: criteria provided, single submitter. Criteria: ACMG Guidelines, 2015. Collection method: clinical testing. Allele origin: germline.
Comment: The IFT172 c.1058A>G variant is predicted to result in the amino acid substitution p.Tyr353Cys. To our knowledge, this variant has not been reported in the literature. This variant is reported in 0.0062% of alleles in individuals of African descent in gnomAD. At this time, the clinical significance of this variant is uncertain due to the absence of conclusive functional and genetic evidence.

Labcorp Genetics (formerly Invitae), Labcorp
Classification: Uncertain significance for Retinitis pigmentosa 71; Short-rib thoracic dysplasia 10 with or without polydactyly. Last evaluated: 2023-08-17. Review status: criteria provided, single submitter. Criteria: Invitae Variant Classification Sherloc (09022015). Collection method: clinical testing. Allele origin: germline.
Comment: This sequence change replaces tyrosine, which is neutral and polar, with cysteine, which is neutral and slightly polar, at codon 353 of the IFT172 protein (p.Tyr353Cys). This variant is present in population databases (rs749207320, gnomAD 0.007%). This variant has not been reported in the literature in individuals affected with IFT172-related conditions. ClinVar contains an entry for this variant (Variation ID: 1022627). Advanced modeling of protein sequence and biophysical properties (such as structural, functional, and spatial information, amino acid conservation, physicochemical variation, residue mobility, and thermodynamic stability) performed at Invitae indicates that this missense variant is expected to disrupt IFT172 protein function. In summary, the available evidence is currently insufficient to determine the role of this variant in disease. Therefore, it has been classified as a Variant of Uncertain Significance.

Fulgent Genetics
Classification: Uncertain significance for Short-rib thoracic dysplasia 10 with or without polydactyly; Retinitis pigmentosa 71; Bardet-Biedl syndrome 20. Last evaluated: 2022-05-03. Review status: criteria provided, single submitter. Criteria: ACMG Guidelines, 2015. Collection method: clinical testing. Allele origin: unknown.

Blueprint Genetics
Classification: Uncertain significance. Last evaluated: 2021-05-05. Review status: criteria provided, single submitter. Criteria: ACMG Guidelines, 2015. Collection method: clinical testing. Allele origin: germline.